The following is an entry in ClinVar:

NM_007294.4(BRCA1):c.265A>T (p.Ile89Phe)

Gene: BRCA1 (BRCA1 DNA repair associated; minus strand). Cytogenetic location: 17q21.31.
Variant type: single nucleotide variant.
Coding change: c.265A>T on transcript NM_007294.4 (MANE Select); coding-DNA position 265, A replaced by T.
Protein change: p.Ile89Phe; replaces isoleucine 89 with phenylalanine.
Molecular consequence: missense variant. On other transcripts: non-coding transcript variant (1).
Genome position (GRCh38, 1-based): chr17:43,104,904, T>A on the plus strand (A>T on the coding strand, the complement: BRCA1 is on the minus strand). VCF-style: chr17-43104904-T-A. GRCh37 (hg19) VCF-style: chr17-41256921-T-A.
Other names: c.55A>T, p.Ile19Phe (NM_001407571.1, NM_001407853.1, NM_001407879.1 and 58 more transcripts); c.265A>T, p.Ile89Phe (NM_001407581.1, NM_001407582.1, NM_001407583.1 and 168 more transcripts); c.187A>T, p.Ile63Phe (NM_001407653.1, NM_001407654.1, NM_001407655.1 and 21 more transcripts); c.124A>T, p.Ile42Phe (NM_001407692.1, NM_001407694.1, NM_001407695.1 and 99 more transcripts); c.-117A>T (NM_001407959.1, NM_001407960.1, NM_001407962.1 and 4 more transcripts); c.133A>T, p.Ile45Phe (NM_001408451.1); short protein forms I42F, I89F, I63F, I19F, I45F.
Identifiers: ClinVar variation 868814 (VCV000868814.3), dbSNP rs2054681350, ClinGen allele CA10601623.

Conditions:
Breast-ovarian cancer, familial, susceptibility to, 1 (BROVCA1). Also called: BRCA1 Hereditary Breast and Ovarian Cancer; OVARIAN CANCER, SUSCEPTIBILITY TO. Identifiers: Orphanet 145, MedGen C2676676, MONDO:0011450, OMIM 604370. Disease mechanism: loss of function.

Submission:

Brotman Baty Institute, University of Washington
No classification provided (evidence only). Condition: Breast-ovarian cancer, familial 1. Review status: no classification provided. Collection method: in vitro. Allele origin: not applicable. Functional consequence: functionally_normal.
ClinVar note: "not provided" was previously submitted as the classification for the variant. However, the classification appeared to be based only on an observation of functional data so it was converted to no classification on 2025-07-30.